The following is an entry in ClinVar:

NM_017617.5(NOTCH1):c.428C>T (p.Pro143Leu)

Gene: NOTCH1 (notch receptor 1; minus strand). Cytogenetic location: 9q34.3.
Variant type: single nucleotide variant.
Coding change: c.428C>T on transcript NM_017617.5 (MANE Select); coding-DNA position 428, C replaced by T.
Protein change: p.Pro143Leu; replaces proline 143 with leucine.
Molecular consequence: missense variant.
Genome position (GRCh38, 1-based): chr9:136,523,164, G>A on the plus strand (C>T on the coding strand, the complement: NOTCH1 is on the minus strand). VCF-style: chr9-136523164-G-A. GRCh37 (hg19) VCF-style: chr9-139417616-G-A.
Other names: c.428C>T (NM_017617.4); short protein forms P143L.
Identifiers: ClinVar variation 848622 (VCV000848622.12), dbSNP rs1228192276, ClinGen allele CA375571680.
Genomic context (GRCh38, chr9:136,523,164, plus strand): 5'-ATGTAGGAGGCCTCGAAGGGCAGGCACTGGCCACCGTTGGCGCAGGGGTTGGAGGCGCAC[G>A]GGTCAGCCTGCTGGCACGATTTCCCTGGAGACAAGGGGACAAGAGGGTCGTGCTGGCCTC-3'
Protein context (NP_060087.3, residues 133-153): WSGKSCQQAD[Pro143Leu]CASNPCANGG

ClinVar aggregate classification (germline): Conflicting classifications of pathogenicity. Review status: criteria provided, conflicting classifications (1 of 4 stars). 3 submissions from 3 submitters: Likely pathogenic (1); Uncertain significance (1). 1 of the submissions does not count toward it. Last evaluated 2024-02-03.

Conditions:
Adams-Oliver syndrome 5 (AOS5). Identifiers: Orphanet 974, MedGen C4014970, MONDO:0014459, OMIM 616028.
NOTCH1-related disorder. Also called: NOTCH1-related condition; NOTCH1-related disorders.

Allele frequency attached by ClinVar (database versions not stated): gnomAD exomes 0.00001.
gnomAD v4.1: 10 of 1,604,176 alleles (0.00062%); highest among the groups gnomAD compares: Non-Finnish European, 0.00085%; no homozygotes.

Submissions (3):

Labcorp Genetics (formerly Invitae), Labcorp
Classification: Likely pathogenic for Adams-Oliver syndrome 5. Last evaluated: 2024-02-03. Review status: criteria provided, single submitter. Criteria: Invitae Variant Classification Sherloc (09022015). Collection method: clinical testing. Allele origin: germline.
Comment: This sequence change replaces proline, which is neutral and non-polar, with leucine, which is neutral and non-polar, at codon 143 of the NOTCH1 protein (p.Pro143Leu). This variant is not present in population databases (gnomAD no frequency). This missense change has been observed in individual(s) with clinical features of NOTCH1-related conditions (PMID: 30582441, 34328347; Invitae). In at least one individual the variant was observed to be de novo. ClinVar contains an entry for this variant (Variation ID: 848622). Advanced modeling of protein sequence and biophysical properties (such as structural, functional, and spatial information, amino acid conservation, physicochemical variation, residue mobility, and thermodynamic stability) performed at Invitae indicates that this missense variant is not expected to disrupt NOTCH1 protein function with a negative predictive value of 95%. In summary, the currently available evidence indicates that the variant is pathogenic, but additional data are needed to prove that conclusively. Therefore, this variant has been classified as Likely Pathogenic.

GeneDx
Classification: Uncertain significance. Last evaluated: 2023-12-09. Review status: criteria provided, single submitter. Criteria: GeneDx Variant Classification Process June 2021. Collection method: clinical testing. Allele origin: germline. Affected: yes.
Comment: Identified in at least one patient with tetralogy of Fallot, although detailed clinical and segregation information was not provided (PMID: 30582441); Not observed at significant frequency in large population cohorts (gnomAD); In silico analysis supports that this missense variant has a deleterious effect on protein structure/function; This variant is associated with the following publications: (PMID: 34328347, 35288444, 30582441)

PreventionGenetics, part of Exact Sciences
Classification: Likely pathogenic for NOTCH1-related condition. Last evaluated: 2024-07-09. Review status: no assertion criteria provided. Collection method: clinical testing. Allele origin: germline. Not counted in ClinVar's aggregate classification.
Comment: The NOTCH1 c.428C>T variant is predicted to result in the amino acid substitution p.Pro143Leu. This variant has been reported in three individuals with tetralogy of Fallot (Table S2, Page et al. 2019. PubMed ID: 30582441). This variant has not been reported in a large population database, indicating this variant is rare. This variant is interpreted as likely pathogenic.

Literature cited by the submitters: PubMed 30582441 (cited by Labcorp Genetics (formerly Invitae), Labcorp); PubMed 34328347 (cited by Labcorp Genetics (formerly Invitae), Labcorp).